The following is an entry in ClinVar:

ClinVar aggregate classification (germline): Pathogenic/Likely pathogenic. Review status: criteria provided, multiple submitters, no conflicts (2 of 4 stars). 2 submissions from 2 submitters: Pathogenic (1); Likely pathogenic (1). Last evaluated 2026-06-29.

Conditions:
Hypertrophic cardiomyopathy. Also called: HYPERTROPHIC MYOCARDIOPATHY. Identifiers: Orphanet 217569, MedGen C0007194, MeSH D002312, MONDO:0005045, HP:0001639.
Cardiovascular phenotype. Identifiers: MedGen CN230736.

Submissions (2):

Ambry Genetics
Classification: Likely pathogenic for Cardiovascular phenotype. Last evaluated: 2026-06-29. Review status: criteria provided, single submitter. Criteria: Ambry Variant Classification Scheme 2023. Collection method: clinical testing. Allele origin: germline.
Comment: The p.C905Y variant (also known as c.2714G>A), located in coding exon 21 of the MYH7 gene, results from a G to A substitution at nucleotide position 2714. The cysteine at codon 905 is replaced by tyrosine, an amino acid with highly dissimilar properties. This variant was reported in individual(s) with features consistent with hypertrophic cardiomyopathy (HCM) (Wang J et al. Eur J Heart Fail, 2014 Sep;16:950-7; Ambry internal data; external communication). This alteration is located in the myosin head domain, which contains a statistically significant clustering of pathogenic missense variants (Homburger JR et al. Proc Natl Acad Sci U S A, 2016 06;113:6701-6; Walsh R et al. Genet Med, 2017 02;19:192-203; Ambry internal data). This amino acid position is highly conserved in available vertebrate species. In addition, this alteration is predicted to be deleterious by in silico analysis. This variant is considered to be rare based on population cohorts in the Genome Aggregation Database (gnomAD). Based on the majority of available evidence to date, this variant is likely to be pathogenic.

Labcorp Genetics (formerly Invitae), Labcorp
Classification: Pathogenic for Hypertrophic cardiomyopathy. Last evaluated: 2025-01-19. Review status: criteria provided, single submitter. Criteria: Invitae Variant Classification Sherloc (09022015). Collection method: clinical testing. Allele origin: germline.
Comment: This sequence change replaces cysteine, which is neutral and slightly polar, with tyrosine, which is neutral and polar, at codon 905 of the MYH7 protein (p.Cys905Tyr). This variant is not present in population databases (gnomAD no frequency). This missense change has been observed in individuals with autosomal dominant hypertrophic cardiomyopathy (PMID: 25132132; internal data). ClinVar contains an entry for this variant (Variation ID: 945429). Invitae Evidence Modeling of protein sequence and biophysical properties (such as structural, functional, and spatial information, amino acid conservation, physicochemical variation, residue mobility, and thermodynamic stability) indicates that this missense variant is expected to disrupt MYH7 protein function with a positive predictive value of 95%. This variant disrupts the p.Cys905 amino acid residue in MYH7. Other variant(s) that disrupt this residue have been determined to be pathogenic (PMID: 22859017). This suggests that this residue is clinically significant, and that variants that disrupt this residue are likely to be disease-causing. For these reasons, this variant has been classified as Pathogenic.

Literature cited by the submitters: PubMed 25132132 (cited by Ambry Genetics and Labcorp Genetics (formerly Invitae), Labcorp); PubMed 22859017 (cited by Labcorp Genetics (formerly Invitae), Labcorp).

NM_000257.4(MYH7):c.2714G>A (p.Cys905Tyr)

Gene: MYH7 (myosin heavy chain 7; minus strand). Cytogenetic location: 14q11.2.
Variant type: single nucleotide variant.
Coding change: c.2714G>A on transcript NM_000257.4 (MANE Select); coding-DNA position 2714, G replaced by A.
Protein change: p.Cys905Tyr; replaces cysteine 905 with tyrosine.
Molecular consequence: missense variant.
Genome position (GRCh38, 1-based): chr14:23,424,115, C>T on the plus strand (G>A on the coding strand, the complement: MYH7 is on the minus strand). VCF-style: chr14-23424115-C-T. GRCh37 (hg19) VCF-style: chr14-23893324-C-T.
Other names: short protein forms C905Y.
Identifiers: ClinVar variation 945429 (VCV000945429.12), dbSNP rs730880757, ClinGen allele CA389047298.